The following is an entry in ClinVar:

ClinVar aggregate classification (germline): Uncertain significance (1 of 4 stars; one submission).

Conditions:
RYR1-related disorder. Also called: RYR1-related condition; RYR1-related disorders. Identifiers: MedGen CN239331.

Allele frequency attached by ClinVar (database versions not stated): gnomAD exomes 0.00001.
gnomAD v4.1: 8 of 1,614,150 alleles (0.0005%); highest among the groups gnomAD compares: Non-Finnish European, 0.00068%; no homozygotes.

Submission:

Labcorp Genetics (formerly Invitae), Labcorp
Classification: Uncertain significance for RYR1-related disorder. Last evaluated: 2023-05-19. Review status: criteria provided, single submitter. Criteria: Invitae Variant Classification Sherloc (09022015). Collection method: clinical testing. Allele origin: germline.
Comment: This sequence change replaces arginine, which is basic and polar, with glutamine, which is neutral and polar, at codon 1179 of the RYR1 protein (p.Arg1179Gln). This variant is present in population databases (no rsID available, gnomAD 0.002%). This variant has not been reported in the literature in individuals affected with RYR1-related conditions. ClinVar contains an entry for this variant (Variation ID: 1496912). Advanced modeling of protein sequence and biophysical properties (such as structural, functional, and spatial information, amino acid conservation, physicochemical variation, residue mobility, and thermodynamic stability) performed at Invitae indicates that this missense variant is not expected to disrupt RYR1 protein function. In summary, the available evidence is currently insufficient to determine the role of this variant in disease. Therefore, it has been classified as a Variant of Uncertain Significance.

NM_000540.3(RYR1):c.3536G>A (p.Arg1179Gln)

Gene: RYR1 (ryanodine receptor 1; plus strand). Cytogenetic location: 19q13.2.
Variant type: single nucleotide variant.
Coding change: c.3536G>A on transcript NM_000540.3 (MANE Select); coding-DNA position 3536, G replaced by A.
Protein change: p.Arg1179Gln; replaces arginine 1179 with glutamine.
Molecular consequence: missense variant.
Genome position (GRCh38, 1-based): chr19:38,469,120, G>A. VCF-style: chr19-38469120-G-A. GRCh37 (hg19) VCF-style: chr19-38959760-G-A.
Other names: c.3536G>A, p.Arg1179Gln (NM_001042723.2); short protein forms R1179Q.
Identifiers: ClinVar variation 1496912 (VCV001496912.5), dbSNP rs1370928636, ClinGen allele CA405638853.